The following is an entry in ClinVar:

ClinVar aggregate classification (germline): Uncertain significance (1 of 4 stars; one submission).

Conditions:
Charcot-Marie-Tooth disease axonal type 2O. Also called: Charcot-Marie-Tooth disease, axonal, type 20; CHARCOT-MARIE-TOOTH NEUROPATHY, AXONAL, TYPE 2O; CHARCOT-MARIE-TOOTH DISEASE, AXONAL, AUTOSOMAL DOMINANT, TYPE 2O; Charcot-Marie-Tooth Neuropathy Type 2O. Identifiers: Orphanet 284232, MedGen C3280220, MONDO:0013644, OMIM 614228.

Submission:

Labcorp Genetics (formerly Invitae), Labcorp
Classification: Uncertain significance for Charcot-Marie-Tooth disease axonal type 2O. Last evaluated: 2023-01-28. Review status: criteria provided, single submitter. Criteria: Invitae Variant Classification Sherloc (09022015). Collection method: clinical testing. Allele origin: germline.
Comment: In summary, the available evidence is currently insufficient to determine the role of this variant in disease. Therefore, it has been classified as a Variant of Uncertain Significance. Algorithms developed to predict the effect of sequence changes on RNA splicing suggest that this variant may disrupt the consensus splice site. This variant has not been reported in the literature in individuals affected with DYNC1H1-related conditions. This variant is not present in population databases (gnomAD no frequency). This sequence change falls in intron 63 of the DYNC1H1 gene. It does not directly change the encoded amino acid sequence of the DYNC1H1 protein.

NM_001376.5(DYNC1H1):c.11865+7_11865+9dup

Gene: DYNC1H1 (dynein cytoplasmic 1 heavy chain 1; plus strand). Cytogenetic location: 14q32.31.
Variant type: Duplication.
Coding change: c.11865+7_11865+9dup on transcript NM_001376.5 (MANE Select); bases 7 to 9 of the intron after coding-DNA position 11865, 3 bases duplicated (GTT; older notation c.11865+7_11865+9dupGTT).
Molecular consequence: intron variant.
Genome position (GRCh38, 1-based): chr14:102,040,417-102,040,419, GTT duplicated; duplicating any 3 consecutive bases within chr14:102,040,415-102,040,419 gives the same sequence; the c. name uses the placement nearest the transcript's 3' end. VCF-style (leftmost placement, unchanged base first): chr14-102040414-A-ATTG. GRCh37 (hg19) VCF-style: chr14-102506751-A-ATTG.
Identifiers: ClinVar variation 2832359 (VCV002832359.3), dbSNP rs2503850686, ClinGen allele CA2739278239.